The following is an entry in ClinVar:

NM_006922.4(SCN3A):c.5611C>T (p.Arg1871Ter)

Gene: SCN3A (sodium voltage-gated channel alpha subunit 3; minus strand). Cytogenetic location: 2q24.3.
Variant type: single nucleotide variant.
Coding change: c.5611C>T on transcript NM_006922.4 (MANE Select); coding-DNA position 5611, C replaced by T.
Protein change: p.Arg1871Ter; replaces arginine 1871 with a stop codon.
Molecular consequence: nonsense.
Genome position (GRCh38, 1-based): chr2:165,090,542, G>A on the plus strand (C>T on the coding strand, the complement: SCN3A is on the minus strand). VCF-style: chr2-165090542-G-A. GRCh37 (hg19) VCF-style: chr2-165947052-G-A.
Other names: c.5464C>T, p.Arg1822Ter (NM_001081676.2, NM_001081677.2); short protein forms R1822*, R1871*.
Identifiers: ClinVar variation 3361726 (VCV003361726.1).

ClinVar aggregate classification (germline): Uncertain significance (1 of 4 stars; one submission).

gnomAD v4.1: 2 of 1,613,840 alleles (0.00012%); highest among the groups gnomAD compares: Non-Finnish European, 0.000085%; no homozygotes.

Submission:

GeneDx
Classification: Uncertain significance. Last evaluated: 2023-08-07. Review status: criteria provided, single submitter. Criteria: GeneDx Variant Classification Process June 2021. Collection method: clinical testing. Allele origin: germline. Affected: yes.
Comment: Nonsense variant predicted to result in protein truncation or nonsense mediated decay in a gene or region of a gene for which loss of function is not a well-established mechanism of disease; Not observed at significant frequency in large population cohorts (gnomAD); Has not been previously published as pathogenic or benign to our knowledge